The following is an entry in ClinVar:

NM_019892.6(INPP5E):c.1094C>T (p.Ser365Leu)

Gene: INPP5E (inositol polyphosphate-5-phosphatase E; minus strand). Cytogenetic location: 9q34.3.
Variant type: single nucleotide variant.
Coding change: c.1094C>T on transcript NM_019892.6 (MANE Select); coding-DNA position 1094, C replaced by T.
Protein change: p.Ser365Leu; replaces serine 365 with leucine.
Molecular consequence: missense variant.
Genome position (GRCh38, 1-based): chr9:136,433,220, G>A on the plus strand (C>T on the coding strand, the complement: INPP5E is on the minus strand). VCF-style: chr9-136433220-G-A. GRCh37 (hg19) VCF-style: chr9-139327672-G-A.
Other names: c.1094C>T, p.Ser365Leu (NM_001318502.2); short protein forms S365L.
Identifiers: ClinVar variation 1022901 (VCV001022901.6), dbSNP rs1388522044, ClinGen allele CA375564382.
Genomic context (GRCh38, chr9:136,433,220, plus strand): 5'-CAGAACCAGATGAGGTCCCTGCGGATGAAGAGCGACATGTAGAGCACGCCGTGGGCCGCC[G>A]AGGACAGCAGCACATAGTGCGGGCCCAGCGTCTCCTGCAGACGAGTCTCCCACTCCCGCC-3'
Protein context (NP_063945.2, residues 355-375): TLGPHYVLLS[Ser365Leu]AAHGVLYMSL

ClinVar aggregate classification (germline): Uncertain significance. Review status: criteria provided, multiple submitters, no conflicts (2 of 4 stars). 2 submissions from 2 submitters: Uncertain significance (2). Last evaluated 2022-06-28.

Conditions:
Joubert syndrome. Also called: Familial aplasia of the vermis; JOUBERT-BOLTSHAUSER SYNDROME. Identifiers: Orphanet 475, MedGen C5979921, MONDO:0018772.
Rod-cone dystrophy. Identifiers: MedGen C4551714, HP:0000510.

Allele frequency attached by ClinVar (database versions not stated): gnomAD exomes below 0.00001.
gnomAD v4.1: 6 of 1,594,266 alleles (0.00038%); highest among the groups gnomAD compares: African/African-American, 0.0014%; no homozygotes.

Submissions (2):

Labcorp Genetics (formerly Invitae), Labcorp
Classification: Uncertain significance for Joubert syndrome. Last evaluated: 2022-06-28. Review status: criteria provided, single submitter. Criteria: Invitae Variant Classification Sherloc (09022015). Collection method: clinical testing. Allele origin: germline.
Comment: In summary, the available evidence is currently insufficient to determine the role of this variant in disease. Therefore, it has been classified as a Variant of Uncertain Significance. Advanced modeling of protein sequence and biophysical properties (such as structural, functional, and spatial information, amino acid conservation, physicochemical variation, residue mobility, and thermodynamic stability) performed at Invitae indicates that this missense variant is expected to disrupt INPP5E protein function. ClinVar contains an entry for this variant (Variation ID: 1022901). This missense change has been observed in individual(s) with Leber congenital amaurosis (PMID: 34188062). This variant is not present in population databases (gnomAD no frequency). This sequence change replaces serine, which is neutral and polar, with leucine, which is neutral and non-polar, at codon 365 of the INPP5E protein (p.Ser365Leu).

Ocular Genomics Institute, Massachusetts Eye and Ear
Classification: Uncertain significance for Rod-cone dystrophy. Last evaluated: 2021-04-08. Review status: criteria provided, single submitter. Criteria: ACMG Guidelines, 2015. Collection method: research. Allele origin: germline. Affected: yes.
Comment: Through a review of available evidence we were able to apply the following criteria: PM1, PM2, PP3. Based on this evidence we have classified this variant as Variant of Uncertain Significance.

Literature cited by the submitters: PubMed 34188062 (cited by Labcorp Genetics (formerly Invitae), Labcorp).